The following is an entry in ClinVar:

ClinVar aggregate classification (germline): Likely pathogenic (1 of 4 stars; one submission).

Conditions:
Developmental and epileptic encephalopathy 94 (DEE94). Also called: Epileptic encephalopathy, childhood-onset; CHD2-Related Neurodevelopmental Disorders. Identifiers: Orphanet 1942, Orphanet 2382, MedGen C3809278, MONDO:0014150, OMIM 615369.

Submission:

Labcorp Genetics (formerly Invitae), Labcorp
Classification: Likely pathogenic for Developmental and epileptic encephalopathy 94. Last evaluated: 2022-08-12. Review status: criteria provided, single submitter. Criteria: Invitae Variant Classification Sherloc (09022015). Collection method: clinical testing. Allele origin: germline.
Comment: This sequence change affects an acceptor splice site in intron 13 of the CHD2 gene. It is expected to disrupt RNA splicing. Variants that disrupt the donor or acceptor splice site typically lead to a loss of protein function (PMID: 16199547), and loss-of-function variants in CHD2 are known to be pathogenic (PMID: 23708187, 24207121). This variant is not present in population databases (gnomAD no frequency). This variant has not been reported in the literature in individuals affected with CHD2-related conditions. Algorithms developed to predict the effect of sequence changes on RNA splicing suggest that this variant may disrupt the consensus splice site. In summary, the currently available evidence indicates that the variant is pathogenic, but additional data are needed to prove that conclusively. Therefore, this variant has been classified as Likely Pathogenic.

Literature cited by the submitters: PubMed 16199547; PubMed 23708187; PubMed 24207121.

NM_001271.4(CHD2):c.1503-2A>G

Gene: CHD2 (chromodomain helicase DNA binding protein 2; plus strand). Cytogenetic location: 15q26.1.
Variant type: single nucleotide variant.
Coding change: c.1503-2A>G on transcript NM_001271.4 (MANE Select); the canonical splice acceptor site of the intron before coding-DNA position 1503, A replaced by G.
Molecular consequence: splice acceptor variant.
Genome position (GRCh38, 1-based): chr15:92,953,355, A>G. VCF-style: chr15-92953355-A-G. GRCh37 (hg19) VCF-style: chr15-93496585-A-G.
Identifiers: ClinVar variation 2059023 (VCV002059023.4), dbSNP rs2505480050, ClinGen allele CA393904739.